The following is an entry in ClinVar:

ClinVar aggregate classification (germline): Uncertain significance (1 of 4 stars; one submission).

Submission:

Ambry Genetics
Classification: Uncertain significance. Last evaluated: 2025-07-07. Review status: criteria provided, single submitter. Criteria: Ambry Variant Classification Scheme 2023. Collection method: clinical testing. Allele origin: germline.
Comment: The p.Q19H variant (also known as c.57G>C), located in coding exon 1 of the EGLN1 gene, results from a G to C substitution at nucleotide position 57. The glutamine at codon 19 is replaced by histidine, an amino acid with highly similar properties. This amino acid position is conserved. In addition, the in silico prediction for this alteration is inconclusive. Based on the available evidence, the clinical significance of this variant remains unclear.

NM_022051.3(EGLN1):c.57G>C (p.Gln19His)

Gene: EGLN1 (egl-9 family hypoxia inducible factor 1; minus strand). Cytogenetic location: 1q42.2.
Variant type: single nucleotide variant.
Coding change: c.57G>C on transcript NM_022051.3 (MANE Select); coding-DNA position 57, G replaced by C.
Protein change: p.Gln19His; replaces glutamine 19 with histidine.
Molecular consequence: missense variant.
Genome position (GRCh38, 1-based): chr1:231,421,832, C>G on the plus strand (G>C on the coding strand, the complement: EGLN1 is on the minus strand). VCF-style: chr1-231421832-C-G. GRCh37 (hg19) VCF-style: chr1-231557578-C-G.
Other names: c.57G>C, p.Gln19His (NM_001377260.1, NM_001377261.1); short protein forms Q19H.
Identifiers: ClinVar variation 4247390 (VCV004247390.1).